The following is an entry in ClinVar:

ClinVar aggregate classification (germline): Uncertain significance (1 of 4 stars; one submission).

Conditions:
Myofibrillar myopathy 6. Identifiers: Orphanet 199340, MedGen C2751831, MONDO:0013061, OMIM 612954.
Dilated cardiomyopathy 1HH (CMD1HH). Identifiers: Orphanet 154, MedGen C3151293, MONDO:0013479, OMIM 613881.

gnomAD v4.1: 1 of 1,598,044 alleles (0.000063%); highest among the groups gnomAD compares: South Asian, 0.0011%; no homozygotes.

Submission:

Labcorp Genetics (formerly Invitae), Labcorp
Classification: Uncertain significance for Dilated cardiomyopathy 1HH; Myofibrillar myopathy 6. Last evaluated: 2022-07-06. Review status: criteria provided, single submitter. Criteria: Invitae Variant Classification Sherloc (09022015). Collection method: clinical testing. Allele origin: germline.
Comment: In summary, the available evidence is currently insufficient to determine the role of this variant in disease. Therefore, it has been classified as a Variant of Uncertain Significance. Algorithms developed to predict the effect of missense changes on protein structure and function are either unavailable or do not agree on the potential impact of this missense change (SIFT: "Tolerated"; PolyPhen-2: "Probably Damaging"; Align-GVGD: "Class C0"). ClinVar contains an entry for this variant (Variation ID: 1514767). This variant has not been reported in the literature in individuals affected with BAG3-related conditions. This variant is not present in population databases (gnomAD no frequency). This sequence change replaces arginine, which is basic and polar, with serine, which is neutral and polar, at codon 45 of the BAG3 protein (p.Arg45Ser).

NM_004281.4(BAG3):c.133C>A (p.Arg45Ser)

Gene: BAG3 (BAG cochaperone 3; plus strand). Cytogenetic location: 10q26.11.
Variant type: single nucleotide variant.
Coding change: c.133C>A on transcript NM_004281.4 (MANE Select); coding-DNA position 133, C replaced by A.
Protein change: p.Arg45Ser; replaces arginine 45 with serine.
Molecular consequence: missense variant.
Genome position (GRCh38, 1-based): chr10:119,651,808, C>A. VCF-style: chr10-119651808-C-A. GRCh37 (hg19) VCF-style: chr10-121411320-C-A.
Other names: short protein forms R45S.
Identifiers: ClinVar variation 1514767 (VCV001514767.8), dbSNP rs747820097, ClinGen allele CA378294250.